The following is an entry in ClinVar:

ClinVar aggregate classification (germline): Benign (1 of 4 stars; one submission).

Allele frequency attached by ClinVar (database versions not stated): gnomAD exomes 0.93685; ExAC 0.94427; TOPMed 0.95374; gnomAD 0.95479; 1000 Genomes Project 0.95567; 1000 Genomes Project 30x 0.95628.
gnomAD v4.1: 1,484,736 of 1,582,316 alleles (94%); highest among the groups gnomAD compares: African/African-American, 99%; 697,335 homozygotes.

Submission:

Unidad de Genómica Garrahan, Hospital de Pediatría Garrahan
Classification: Benign. Last evaluated: 2024-01-24. Review status: criteria provided, single submitter. Criteria: ACMG Guidelines, 2015. Collection method: clinical testing. Allele origin: germline. Affected: no. Observed: 95 variant alleles.
Comment: This variant is classified as Benign based on local population frequency. This variant was detected in 100% of patients studied by a panel of primary immunodeficiencies. Number of patients: 95. Only high quality variants are reported.

NM_030877.5(CTNNBL1):c.466+62T>C

Gene: CTNNBL1 (catenin beta like 1; plus strand). Cytogenetic location: 20q11.23.
Variant type: single nucleotide variant.
Coding change: c.466+62T>C on transcript NM_030877.5 (MANE Select); 62 bases into the intron after coding-DNA position 466, T replaced by C.
Molecular consequence: intron variant.
Genome position (GRCh38, 1-based): chr20:37,746,669, T>C. VCF-style: chr20-37746669-T-C. GRCh37 (hg19) VCF-style: chr20-36375071-T-C.
Other names: c.385+62T>C (NM_001281495.2).
Identifiers: ClinVar variation 2687972 (VCV002687972.2), dbSNP rs2297154, ClinGen allele CA9848411.